The following is an entry in ClinVar:

ClinVar aggregate classification (germline): Likely pathogenic (1 of 4 stars; one submission).

Conditions:
X-linked Alport syndrome (ATS1). Also called: COL4A5-Related Nephropathy; NEPHROPATHY AND DEAFNESS, X-LINKED. Identifiers: Orphanet 63, Orphanet 88917, MedGen C4746986, MONDO:0010520, OMIM 301050.

Submission:

Myriad Genetics, Inc.
Classification: Likely pathogenic for X-linked Alport syndrome. Last evaluated: 2022-03-14. Review status: criteria provided, single submitter. Criteria: Myriad Women's Health Autosomal Recessive and X-Linked Classification Criteria (2021). Collection method: clinical testing. Allele origin: unknown.
Comment: NM_000495.4(COL4A5):c.948_949delTG(D317Sfs*6) is expected to be pathogenic in the context of X-linked Alport syndrome. This variant is predicted to lead to an abnormal or absent protein product due to the creation of a premature termination codon in COL4A5, a gene where loss-of-function variants are known to be pathogenic. Please note: this variant was assessed in the context of healthy population screening.

NM_033380.3(COL4A5):c.948_949del (p.Asp317fs)

Gene: COL4A5 (collagen type IV alpha 5 chain; plus strand). Cytogenetic location: Xq22.3.
Variant type: Deletion.
Coding change: c.948_949del on transcript NM_033380.3 (MANE Select); coding-DNA positions 948 to 949, 2 bases deleted (TG; older notation c.948_949delTG).
Protein change: p.Asp317fs; shifts the reading frame from aspartic acid 317.
Molecular consequence: frameshift variant.
Genome position (GRCh38, 1-based): chrX:108,582,895-108,582,896, TG deleted; deleting any 2 consecutive bases within chrX:108,582,894-108,582,896 gives the same sequence; the c. name uses the placement nearest the transcript's 3' end. VCF-style (leftmost placement, unchanged base first): chrX-108582893-GGT-G. GRCh37 (hg19) VCF-style: chrX-107826123-GGT-G.
Other names: c.948_949del, p.Asp317fs (NM_000495.5); short protein forms D317fs.
Identifiers: ClinVar variation 1725179 (VCV001725179.2), dbSNP rs2524254589, ClinGen allele CA2580100201.